The following is an entry in ClinVar:

ClinVar aggregate classification (germline): Conflicting classifications of pathogenicity. Review status: criteria provided, conflicting classifications (1 of 4 stars). 2 submissions from 2 submitters: Uncertain significance (1); Likely benign (1). Last evaluated 2025-05-14.

Conditions:
Inborn genetic diseases. Identifiers: MedGen C0950123, MeSH D030342.

Allele frequency attached by ClinVar (database versions not stated): gnomAD 0.00005 and 0.00003.
gnomAD v4.1: 17 of 1,272,000 alleles (0.0013%); highest among the groups gnomAD compares: African/African-American, 0.012%; no homozygotes.

Submissions (2):

Ambry Genetics
Classification: Likely benign for Inborn genetic diseases. Last evaluated: 2025-05-14. Review status: criteria provided, single submitter. Criteria: Ambry Variant Classification Scheme 2023. Collection method: clinical testing. Allele origin: germline.

Labcorp Genetics (formerly Invitae), Labcorp
Classification: Uncertain significance. Last evaluated: 2022-01-14. Review status: criteria provided, single submitter. Criteria: Invitae Variant Classification Sherloc (09022015). Collection method: clinical testing. Allele origin: germline.
Comment: This sequence change replaces arginine, which is basic and polar, with lysine, which is basic and polar, at codon 63 of the LRRK1 protein (p.Arg63Lys). This variant is present in population databases (no rsID available, gnomAD 0.01%). This variant has not been reported in the literature in individuals affected with LRRK1-related conditions. Algorithms developed to predict the effect of missense changes on protein structure and function output the following: SIFT: "Tolerated"; PolyPhen-2: "Benign"; Align-GVGD: "Class C0". The lysine amino acid residue is found in multiple mammalian species, which suggests that this missense change does not adversely affect protein function. In summary, the available evidence is currently insufficient to determine the role of this variant in disease. Therefore, it has been classified as a Variant of Uncertain Significance.

NM_024652.6(LRRK1):c.188G>A (p.Arg63Lys)

Gene: LRRK1 (leucine rich repeat kinase 1; plus strand). Cytogenetic location: 15q26.3.
Variant type: single nucleotide variant.
Coding change: c.188G>A on transcript NM_024652.6 (MANE Select); coding-DNA position 188, G replaced by A.
Protein change: p.Arg63Lys; replaces arginine 63 with lysine.
Molecular consequence: missense variant.
Genome position (GRCh38, 1-based): chr15:100,973,894, G>A. VCF-style: chr15-100973894-G-A. GRCh37 (hg19) VCF-style: chr15-101514099-G-A.
Other names: c.188G>A (NM_024652.3); short protein forms R63K.
Identifiers: ClinVar variation 1408877 (VCV001408877.4), dbSNP rs915826670, ClinGen allele CA275586619.
Genomic context (GRCh38, chr15:100,973,894, plus strand): 5'-CGCGGGGCGGTGACCCTGCAGCGCGGTCCCGCAGGACGGAAGGCATCCGCGCCGCGTACA[G>A]GCGGGGAGACCGCGGCGGCGCCCGGGACCTGCTGGAGGAGGCCTGCGACCAGTGCGCGTC-3'
Protein context (NP_078928.3, residues 53-73): RRTEGIRAAY[Arg63Lys]RGDRGGARDL